The following is an entry in ClinVar:

NM_001009944.3(PKD1):c.8530_8538del (p.Val2844_Thr2846del)

Gene: PKD1 (polycystin 1, transient receptor potential channel interacting; minus strand). Cytogenetic location: 16p13.3.
Variant type: Deletion.
Coding change: c.8530_8538del on transcript NM_001009944.3 (MANE Select); coding-DNA positions 8530 to 8538, 9 bases deleted (GTCTCCACC; older notation c.8530_8538delGTCTCCACC).
Protein change: p.Val2844_Thr2846del.
Molecular consequence: inframe deletion.
Genome position (GRCh38, 1-based): chr16:2,103,519-2,103,527, GGTGGAGAC deleted on the plus strand (GTCTCCACC on the coding strand, the reverse complement: PKD1 is on the minus strand); deleting any 9 consecutive bases within chr16:2,103,519-2,103,531 gives the same sequence; the c. name uses the placement nearest the transcript's 3' end. VCF-style (leftmost placement, unchanged base first): chr16-2103518-TGGTGGAGAC-T. GRCh37 (hg19) VCF-style: chr16-2153519-TGGTGGAGAC-T.
Other names: c.8530_8538del, p.Val2844_Thr2846del (NM_000296.4).
Identifiers: ClinVar variation 3061875 (VCV003061875.1), dbSNP rs2544743677, ClinGen allele CA2740096845.

ClinVar aggregate classification (germline): Uncertain significance (1 of 4 stars; one submission).

Conditions:
Polycystic kidney disease, adult type (PKD1). Also called: Polycystic Kidney, Autosomal Dominant; POLYCYSTIC KIDNEY DISEASE 1 WITH OR WITHOUT POLYCYSTIC LIVER DISEASE; Polycystic Kidney Disease 1, Autosomal Dominant; Polycystic kidney disease 1; Polycystic kidney disease 1, severe; POLYCYSTIC KIDNEY DISEASE, ADULT, TYPE I. Identifiers: MedGen C3149841, MONDO:0008263, OMIM 173900.

Submission:

MVZ Medizinische Genetik Mainz
Classification: Uncertain significance for Polycystic kidney disease, adult type. Last evaluated: 2022-04-14. Review status: criteria provided, single submitter. Criteria: UK Practice Guidelines For Variant Classification V4 01 2020. Collection method: clinical testing. Allele origin: germline. Inheritance: Autosomal dominant inheritance. Affected: yes. Observed: 1 variant allele.
Comment: PM4, PM2_SUP, PP4 (ACMG Version 3)